The following is an entry in ClinVar:

ClinVar aggregate classification (germline): Uncertain significance (1 of 4 stars; one submission).

Conditions:
Charcot-Marie-Tooth disease dominant intermediate C (CMTDIC). Also called: CHARCOT-MARIE-TOOTH NEUROPATHY, DOMINANT INTERMEDIATE C. Identifiers: Orphanet 100045, MedGen C1842237, MONDO:0012012, OMIM 608323.

Allele frequency attached by ClinVar (database versions not stated): gnomAD exomes below 0.00001.
gnomAD v4.1: 2 of 1,614,202 alleles (0.00012%); highest among the groups gnomAD compares: Non-Finnish European, 0.00017%; no homozygotes.

Submission:

Labcorp Genetics (formerly Invitae), Labcorp
Classification: Uncertain significance for Charcot-Marie-Tooth disease dominant intermediate C. Last evaluated: 2023-12-21. Review status: criteria provided, single submitter. Criteria: Invitae Variant Classification Sherloc (09022015). Collection method: clinical testing. Allele origin: germline.
Comment: This sequence change replaces lysine, which is basic and polar, with arginine, which is basic and polar, at codon 47 of the YARS protein (p.Lys47Arg). This variant is not present in population databases (gnomAD no frequency). This variant has not been reported in the literature in individuals affected with YARS-related conditions. Advanced modeling of protein sequence and biophysical properties (such as structural, functional, and spatial information, amino acid conservation, physicochemical variation, residue mobility, and thermodynamic stability) performed at Invitae indicates that this missense variant is not expected to disrupt YARS protein function with a negative predictive value of 80%. In summary, the available evidence is currently insufficient to determine the role of this variant in disease. Therefore, it has been classified as a Variant of Uncertain Significance.

NM_003680.4(YARS1):c.140A>G (p.Lys47Arg)

Gene: YARS1 (tyrosyl-tRNA synthetase 1; minus strand). Cytogenetic location: 1p35.1.
Variant type: single nucleotide variant.
Coding change: c.140A>G on transcript NM_003680.4 (MANE Select); coding-DNA position 140, A replaced by G.
Protein change: p.Lys47Arg; replaces lysine 47 with arginine.
Molecular consequence: missense variant.
Genome position (GRCh38, 1-based): chr1:32,810,975, T>C on the plus strand (A>G on the coding strand, the complement: YARS1 is on the minus strand). VCF-style: chr1-32810975-T-C. GRCh37 (hg19) VCF-style: chr1-33276576-T-C.
Other names: short protein forms K47R.
Identifiers: ClinVar variation 3012743 (VCV003012743.3), dbSNP rs2523437145, ClinGen allele CA339687635.
Genomic context (GRCh38, chr1:32,810,975, plus strand): 5'-CACCCTGCCTTTAAGAAGTCTGCAATCTTTGACATGGGCACAAAGTAAGCCACATGTGGT[T>C]TGCCCGTGGTTGCCGTTCCCCAGTAAATTTTAAGTTCCCGCTCCTTCAGTATCTCCTTCA-3'
Protein context (NP_003671.1, residues 37-57): KIYWGTATTG[Lys47Arg]PHVAYFVPMS